The following is an entry in ClinVar:

ClinVar aggregate classification (germline): Conflicting classifications of pathogenicity. Review status: criteria provided, conflicting classifications (1 of 4 stars). 2 submissions from 2 submitters: Uncertain significance (1); Likely benign (1). Last evaluated 2021-09-05.

Conditions:
Autosomal recessive limb-girdle muscular dystrophy type 2Q (LGMDR17). Also called: MUSCULAR DYSTROPHY, LIMB-GIRDLE, AUTOSOMAL RECESSIVE 17. Identifiers: Orphanet 254361, MedGen C3150989, MONDO:0013390, OMIM 613723.
Epidermolysis bullosa simplex 5C, with pyloric atresia (EBS5C). Also called: Epidermolysis bullosa simplex with pyloric atresia; PLEC-Related Epidermolysis Bullosa with Pyloric Atresia; PLEC1-Related Epidermolysis Bullosa with Pyloric Atresia. Identifiers: Orphanet 158684, MedGen C2677349, MONDO:0012807, OMIM 612138.
Epidermolysis bullosa simplex 5B, with muscular dystrophy (EBS5B). Also called: EPIDERMOLYSIS BULLOSA SIMPLEX AND LIMB-GIRDLE MUSCULAR DYSTROPHY; Epidermolysis bullosa simplex with muscular dystrophy. Identifiers: Orphanet 257, MedGen C2931072, MONDO:0009181, OMIM 226670.
Epidermolysis bullosa simplex with nail dystrophy (EBS5D). Identifiers: MedGen C4225309, MONDO:0014661, OMIM 616487.
Epidermolysis bullosa simplex, Ogna type (EBS5A). Also called: Pidermolysis bullosa simplex 5A, Ogna type; EPIDERMOLYSIS BULLOSA SIMPLEX 5A, OGNA TYPE. Identifiers: Orphanet 79401, MedGen C0432317, MONDO:0007555, OMIM 131950.

Allele frequency attached by ClinVar (database versions not stated): gnomAD exomes below 0.00001.
gnomAD v4.1: 2 of 1,604,314 alleles (0.00012%); highest among the groups gnomAD compares: Non-Finnish European, 0.00017%; no homozygotes.

Submissions (2):

Labcorp Genetics (formerly Invitae), Labcorp
Classification: Uncertain significance for Autosomal recessive limb-girdle muscular dystrophy type 2Q; Epidermolysis bullosa simplex, Ogna type; Epidermolysis bullosa simplex with nail dystrophy; Epidermolysis bullosa simplex 5C, with pyloric atresia; Epidermolysis bullosa simplex 5B, with muscular dystrophy. Last evaluated: 2021-09-05. Review status: criteria provided, single submitter. Criteria: Invitae Variant Classification Sherloc (09022015). Collection method: clinical testing. Allele origin: germline.
Comment: This sequence change replaces alanine with proline at codon 2517 of the PLEC protein (p.Ala2517Pro). The alanine residue is moderately conserved and there is a small physicochemical difference between alanine and proline. This variant is not present in population databases (ExAC no frequency). This variant has not been reported in the literature in individuals affected with PLEC-related conditions. ClinVar contains an entry for this variant (Variation ID: 509844). Algorithms developed to predict the effect of missense changes on protein structure and function are either unavailable or do not agree on the potential impact of this missense change (SIFT: "Tolerated"; PolyPhen-2: "Possibly Damaging"; Align-GVGD: "Class C0"). In summary, the available evidence is currently insufficient to determine the role of this variant in disease. Therefore, it has been classified as a Variant of Uncertain Significance.

GeneDx
Classification: Likely benign. Last evaluated: 2017-06-02. Review status: criteria provided, single submitter. Criteria: GeneDx Variant Classification (06012015). Collection method: clinical testing. Allele origin: germline. Affected: yes.
Comment: This variant is considered likely benign or benign based on one or more of the following criteria: it is a conservative change, it occurs at a poorly conserved position in the protein, it is predicted to be benign by multiple in silico algorithms, and/or has population frequency not consistent with disease.

NM_201384.3(PLEC):c.7468G>C (p.Ala2490Pro)

Gene: PLEC (plectin; minus strand). Cytogenetic location: 8q24.3.
Variant type: single nucleotide variant.
Coding change: c.7468G>C on transcript NM_201384.3 (MANE Select); coding-DNA position 7468, G replaced by C.
Protein change: p.Ala2490Pro; replaces alanine 2490 with proline.
Molecular consequence: missense variant.
Genome position (GRCh38, 1-based): chr8:143,922,353, C>G on the plus strand (G>C on the coding strand, the complement: PLEC is on the minus strand). VCF-style: chr8-143922353-C-G. GRCh37 (hg19) VCF-style: chr8-144996521-C-G.
Other names: c.7549G>C, p.Ala2517Pro (NM_000445.5); c.7426G>C, p.Ala2476Pro (NM_201378.4); c.7402G>C, p.Ala2468Pro (NM_201379.3); c.7879G>C, p.Ala2627Pro (NM_201380.4); c.7372G>C, p.Ala2458Pro (NM_201381.3); c.7468G>C, p.Ala2490Pro (NM_201382.4); c.7480G>C, p.Ala2494Pro (NM_201383.3); short protein forms A2458P, A2468P, A2476P, A2490P, A2494P, A2517P, A2627P.
Identifiers: ClinVar variation 509844 (VCV000509844.7), dbSNP rs1554689498, ClinGen allele CA372525148.